The following is an entry in ClinVar:

ClinVar aggregate classification (germline): Pathogenic. Review status: reviewed by expert panel (3 of 4 stars). 2 submissions from 2 submitters: Pathogenic (1). 1 of the submissions does not count toward it. Last evaluated 2017-12-15.

Conditions:
Familial cancer of breast. Also called: hereditary breast carcinoma; BREAST CANCER, FAMILIAL; Hereditary breast cancer. Identifiers: Orphanet 227535, MedGen C0346153, MONDO:0016419, OMIM 114480. Disease mechanism: loss of function.
Breast-ovarian cancer, familial, susceptibility to, 1 (BROVCA1). Also called: BRCA1 Hereditary Breast and Ovarian Cancer; OVARIAN CANCER, SUSCEPTIBILITY TO. Identifiers: Orphanet 145, MedGen C2676676, MONDO:0011450, OMIM 604370. Disease mechanism: loss of function.

Submissions (2):

Evidence-based Network for the Interpretation of Germline Mutant Alleles (ENIGMA)
Classification: Pathogenic for Breast-ovarian cancer, familial, susceptibility to, 1. Last evaluated: 2017-12-15. Review status: reviewed by expert panel. Criteria: ENIGMA BRCA1/2 Classification Criteria (2017-06-29). Collection method: curation. Allele origin: germline. Study: ENIGMA.
Comment: Variant allele predicted to encode a truncated non-functional protein.

ClinVar Staff, National Center for Biotechnology Information (NCBI)
No classification provided. Condition: Familial cancer of breast. Review status: no classification provided. Collection method: literature only. Allele origin: germline. Affected: yes. Not counted in ClinVar's aggregate classification.

Literature cited by the submitters: PubMed 19656164 (cited by ClinVar Staff, National Center for Biotechnology Information (NCBI)).

NM_007294.4(BRCA1):c.3782T>G (p.Leu1261Ter)

Genes: BRCA1 (BRCA1 DNA repair associated; minus strand), LOC126862571 (BRD4-independent group 4 enhancer GRCh37_chr17:41243136-41244335; plus strand). Cytogenetic location: 17q21.31.
Variant type: single nucleotide variant.
Coding change: c.3782T>G on transcript NM_007294.4 (MANE Select); coding-DNA position 3782, T replaced by G.
Protein change: p.Leu1261Ter; replaces leucine 1261 with a stop codon.
Molecular consequence: nonsense. On other transcripts: intron variant (135).
Genome position (GRCh38, 1-based): chr17:43,091,749, A>C on the plus strand (T>G on the coding strand, the complement: BRCA1 is on the minus strand). VCF-style: chr17-43091749-A-C. GRCh37 (hg19) VCF-style: chr17-41243766-A-C.
Other names: c.3569T>G, p.Leu1190Ter (NM_001407899.1, NM_001407915.1, NM_001407916.1 and 9 more transcripts); c.3572T>G, p.Leu1191Ter (NM_001407900.1, NM_001407902.1, NM_001407904.1 and 13 more transcripts); c.3659T>G, p.Leu1220Ter (NM_001407919.1, NM_001407937.1, NM_001407938.1 and 19 more transcripts); c.3518T>G, p.Leu1173Ter (NM_001407920.1, NM_001407921.1, NM_001407922.1 and 9 more transcripts); c.3515T>G, p.Leu1172Ter (NM_001407930.1, NM_001407931.1, NM_001407932.1 and 2 more transcripts); c.3656T>G, p.Leu1219Ter (NM_001407940.1, NM_001407941.1, NM_001407649.1 and 11 more transcripts); c.3641T>G, p.Leu1214Ter (NM_001407942.1, NM_001407944.1, NM_001407945.1 and 29 more transcripts); c.3638T>G, p.Leu1213Ter (NM_001407943.1, NM_001407964.1, NM_001407740.1 and 20 more transcripts); and 41 more; short protein forms L1261*, L1214*, L1191*, L1258*, L1133*, L1134*, L1150*, L1194*.
Identifiers: ClinVar variation 55003 (VCV000055003.3), dbSNP rs397507219, ClinGen allele CA002437.